The following is an entry in ClinVar:

NM_000368.5(TSC1):c.770T>A (p.Ile257Asn)

Gene: TSC1 (TSC complex subunit 1; minus strand). Cytogenetic location: 9q34.13.
Variant type: single nucleotide variant.
Coding change: c.770T>A on transcript NM_000368.5 (MANE Select); coding-DNA position 770, T replaced by A.
Protein change: p.Ile257Asn; replaces isoleucine 257 with asparagine.
Molecular consequence: missense variant.
Genome position (GRCh38, 1-based): chr9:132,912,425, A>T on the plus strand (T>A on the coding strand, the complement: TSC1 is on the minus strand). VCF-style: chr9-132912425-A-T. GRCh37 (hg19) VCF-style: chr9-135787812-A-T.
Other names: c.770T>A, p.Ile257Asn (NM_001162426.2); c.617T>A, p.Ile206Asn (NM_001162427.2); c.407T>A, p.Ile136Asn (NM_001362177.2); short protein forms I257N, I136N, I206N.
Identifiers: ClinVar variation 800217 (VCV000800217.12), dbSNP rs745640752, ClinGen allele CA038850.

ClinVar aggregate classification (germline): Conflicting classifications of pathogenicity. Review status: criteria provided, conflicting classifications (1 of 4 stars). 3 submissions from 3 submitters: Uncertain significance (1); Likely benign (2). Last evaluated 2025-05-27.

Conditions:
Tuberous sclerosis 1 (TSC1). Identifiers: Orphanet 805, MedGen C1854465, MONDO:0008612, OMIM 191100.
Hereditary cancer-predisposing syndrome. Also called: Neoplastic Syndromes, Hereditary; Hereditary Cancer Syndrome; Tumor predisposition; Hereditary neoplastic syndrome. Identifiers: Orphanet 140162, MedGen C0027672, MeSH D009386, MONDO:0015356.

Submissions (3):

Labcorp Genetics (formerly Invitae), Labcorp
Classification: Likely benign for Tuberous sclerosis 1. Last evaluated: 2025-05-27. Review status: criteria provided, single submitter. Criteria: Invitae Variant Classification Sherloc (09022015). Collection method: clinical testing. Allele origin: germline.

Myriad Genetics, Inc.
Classification: Likely benign for Tuberous sclerosis 1. Last evaluated: 2025-04-08. Review status: criteria provided, single submitter. Criteria: Myriad Autosomal Dominant, Autosomal Recessive and X-Linked Classification Criteria (2023). Collection method: clinical testing. Allele origin: unknown.
Comment: This variant is considered likely benign. This variant has been observed at a population frequency that is significantly greater than expected given the associated disease prevalence and penetrance.

Ambry Genetics
Classification: Uncertain significance for Hereditary cancer-predisposing syndrome. Last evaluated: 2024-09-13. Review status: criteria provided, single submitter. Criteria: Ambry Variant Classification Scheme 2023. Collection method: clinical testing. Allele origin: germline.
Comment: The p.I257N variant (also known as c.770T>A), located in coding exon 7 of the TSC1 gene, results from a T to A substitution at nucleotide position 770. The isoleucine at codon 257 is replaced by asparagine, an amino acid with dissimilar properties. This amino acid position is conserved. In addition, this alteration is predicted to be deleterious by in silico analysis. Based on the available evidence, the clinical significance of this variant remains unclear.